The following is an entry in ClinVar:

NM_199420.4(POLQ):c.3379A>G (p.Thr1127Ala)

Gene: POLQ (DNA polymerase theta; minus strand). Cytogenetic location: 3q13.33.
Variant type: single nucleotide variant.
Coding change: c.3379A>G on transcript NM_199420.4 (MANE Select); coding-DNA position 3379, A replaced by G.
Protein change: p.Thr1127Ala; replaces threonine 1127 with alanine.
Molecular consequence: missense variant.
Genome position (GRCh38, 1-based): chr3:121,489,552, T>C on the plus strand (A>G on the coding strand, the complement: POLQ is on the minus strand). VCF-style: chr3-121489552-T-C. GRCh37 (hg19) VCF-style: chr3-121208399-T-C.
Other names: short protein forms T1127A.
Identifiers: ClinVar variation 3229932 (VCV003229932.1), dbSNP rs778856258, ClinGen allele CA2563064.

ClinVar aggregate classification (germline): Uncertain significance (1 of 4 stars; one submission).

Allele frequency attached by ClinVar (database versions not stated): gnomAD exomes below 0.00001; ExAC 0.00001.
gnomAD v4.1: 1 of 1,613,376 alleles (0.000062%); highest among the groups gnomAD compares: South Asian, 0.0011%; no homozygotes.

Submission:

Ambry Genetics
Classification: Uncertain significance. Last evaluated: 2024-02-09. Review status: criteria provided, single submitter. Criteria: Ambry Variant Classification Scheme 2023. Collection method: clinical testing. Allele origin: germline.
Comment: The p.T1127A variant (also known as c.3379A>G), located in coding exon 16 of the POLQ gene, results from an A to G substitution at nucleotide position 3379. The threonine at codon 1127 is replaced by alanine, an amino acid with similar properties. This amino acid position is conserved. In addition, this alteration is predicted to be tolerated by in silico analysis. Based on the available evidence, the clinical significance of this alteration remains unclear.